The following is an entry in ClinVar:

ClinVar aggregate classification (germline): Uncertain significance. Review status: criteria provided, multiple submitters, no conflicts (2 of 4 stars). 3 submissions from 3 submitters: Uncertain significance (2). 1 of the submissions does not count toward it. Last evaluated 2024-06-28.

Conditions:
CREB3L3-related disorder. Also called: CREB3L3-related condition.

Allele frequency attached by ClinVar (database versions not stated): gnomAD 0.00001; ExAC 0.00002; TOPMed 0.00002; gnomAD exomes 0.00003.

Submissions (3):

Blueprint Genetics
Classification: Uncertain significance. Last evaluated: 2024-06-28. Review status: criteria provided, single submitter. Criteria: ACMG Guidelines, 2015. Collection method: clinical testing. Allele origin: germline.

Labcorp Genetics (formerly Invitae), Labcorp
Classification: Uncertain significance. Last evaluated: 2023-11-08. Review status: criteria provided, single submitter. Criteria: Invitae Variant Classification Sherloc (09022015). Collection method: clinical testing. Allele origin: germline.
Comment: This sequence change replaces glycine, which is neutral and non-polar, with cysteine, which is neutral and slightly polar, at codon 43 of the CREB3L3 protein (p.Gly43Cys). This variant is present in population databases (rs749442501, gnomAD 0.003%). This variant has not been reported in the literature in individuals affected with CREB3L3-related conditions. Advanced modeling of protein sequence and biophysical properties (such as structural, functional, and spatial information, amino acid conservation, physicochemical variation, residue mobility, and thermodynamic stability) has been performed at Invitae for this missense variant, however the output from this modeling did not meet the statistical confidence thresholds required to predict the impact of this variant on CREB3L3 protein function. In summary, the available evidence is currently insufficient to determine the role of this variant in disease. Therefore, it has been classified as a Variant of Uncertain Significance.

PreventionGenetics, part of Exact Sciences
Classification: Uncertain significance for CREB3L3-related condition. Last evaluated: 2024-03-06. Review status: no assertion criteria provided. Collection method: clinical testing. Allele origin: germline. Not counted in ClinVar's aggregate classification.
Comment: The CREB3L3 c.127G>T variant is predicted to result in the amino acid substitution p.Gly43Cys. To our knowledge, this variant has not been reported in the literature. This variant is reported in 0.0033% of alleles in individuals of South Asian descent in gnomAD. At this time, the clinical significance of this variant is uncertain due to the absence of conclusive functional and genetic evidence.

NM_032607.3(CREB3L3):c.127G>T (p.Gly43Cys)

Gene: CREB3L3 (cAMP responsive element binding protein 3 like 3; plus strand). Cytogenetic location: 19p13.3.
Variant type: single nucleotide variant.
Coding change: c.127G>T on transcript NM_032607.3 (MANE Select); coding-DNA position 127, G replaced by T.
Protein change: p.Gly43Cys; replaces glycine 43 with cysteine.
Molecular consequence: missense variant.
Genome position (GRCh38, 1-based): chr19:4,154,998, G>T. VCF-style: chr19-4154998-G-T. GRCh37 (hg19) VCF-style: chr19-4154995-G-T.
Other names: c.127G>T (NM_032607.2); c.127G>T, p.Gly43Cys (NM_001271995.2, NM_001271996.2, NM_001271997.2); short protein forms G43C.
Identifiers: ClinVar variation 2908635 (VCV002908635.5), dbSNP rs749442501, ClinGen allele CA9091204.